The following is an entry in ClinVar:

ClinVar aggregate classification (germline): Likely benign (1 of 4 stars; one submission).

Conditions:
Brain malformations with or without urinary tract defects. Also called: Brain malformations and urinary tract defects. Identifiers: MedGen C4478940, MONDO:0100478, OMIM 613735.

Submission:

Centre for Medical Genetics,  Mumbai
Classification: Likely benign for Brain malformations with or without urinary tract defects. Last evaluated: 2026-02-24. Review status: criteria provided, single submitter. Criteria: ACMG Guidelines, 2015. Collection method: provider interpretation. Allele origin: germline. Inheritance: Autosomal dominant inheritance. Affected: no. Observed: 1 heterozygote.
Comment: The variant satisfies PM2 criteria; extremely low frequency in gnomAD population databases. The variant satisfies PP2 criteria; missense variant in a gene with low rate of benign missense mutations and for which missense mutation is a common mechanism of a disease. However, the variant satisfies BS2 criteria.

Literature cited by the submitters: PubMed 24462883.

NM_001134673.4(NFIA):c.*55T>C

Gene: NFIA (nuclear factor I A; plus strand). Cytogenetic location: 1p31.3.
Variant type: single nucleotide variant.
Coding change: c.*55T>C on transcript NM_001134673.4 (MANE Select); 55 bases downstream of the stop codon, T replaced by C.
Molecular consequence: 3 prime UTR variant. On other transcripts: missense variant (1).
Genome position (GRCh38, 1-based): chr1:61,455,375, T>C. VCF-style: chr1-61455375-T-C. GRCh37 (hg19) VCF-style: chr1-61921047-T-C.
Other names: c.*55T>C (NM_001145511.2, NM_001145512.2); c.1493T>C, p.Leu498Pro (NM_005595.5); short protein forms L498P.
Identifiers: ClinVar variation 4812942 (VCV004812942.1).